The following is an entry in ClinVar:

NM_032787.3(ADGRG7):c.1845dup (p.Pro616fs)

Gene: ADGRG7 (adhesion G protein-coupled receptor G7; plus strand). Cytogenetic location: 3q12.2.
Variant type: Duplication.
Coding change: c.1845dup on transcript NM_032787.3 (MANE Select); coding-DNA position 1845, one base duplicated (A; older notation c.1845dupA).
Protein change: p.Pro616fs; shifts the reading frame from proline 616.
Molecular consequence: frameshift variant.
Genome position (GRCh38, 1-based): chr3:100,659,709, A duplicated; the last of 2 consecutive A bases (chr3:100,659,708-100,659,709); duplicating either gives the same sequence. VCF-style (leftmost placement, unchanged base first): chr3-100659707-G-GA. GRCh37 (hg19) VCF-style: chr3-100378551-G-GA.
Other names: c.960dup, p.Pro321fs (NM_001308362.1); short protein forms P321fs, P616fs.
Identifiers: ClinVar variation 2053239 (VCV002053239.1), dbSNP rs574492402, ClinGen allele CA2516798.

ClinVar aggregate classification (germline): Uncertain significance (1 of 4 stars; one submission).

Submission:

Labcorp Genetics (formerly Invitae), Labcorp
Classification: Uncertain significance. Last evaluated: 2020-09-18. Review status: criteria provided, single submitter. Criteria: Invitae Variant Classification Sherloc (09022015). Collection method: clinical testing. Allele origin: germline.
Comment: This sequence change creates a premature translational stop signal (p.Pro616Thrfs*40) in the ADGRG7 gene. It is expected to result in an absent or disrupted protein product. This variant is present in population databases (rs574492402, ExAC 0.09%). This variant has not been reported in the literature in individuals with ADGRG7-related disease. The current clinical and genetic evidence is not sufficient to establish whether loss-of-function variants in ADGRG7 cause disease. In summary, the available evidence is currently insufficient to determine the role of this variant in disease. Therefore, it has been classified as a Variant of Uncertain Significance.